The following is an entry in ClinVar:

ClinVar aggregate classification (germline): Conflicting classifications of pathogenicity. Review status: criteria provided, conflicting classifications (1 of 4 stars). 15 submissions from 15 submitters: Uncertain significance (13); Likely benign (2). Last evaluated 2025-12-03.

Conditions:
Inborn genetic diseases. Identifiers: MedGen C0950123, MeSH D030342.
Charcot-Marie-Tooth disease type 4. Also called: Charcot-Marie-Tooth disease, type IV; Charcot-Marie-Tooth, Type 4. Identifiers: Orphanet 64749, MedGen C4082197, MONDO:0018995.
Charcot-Marie-Tooth disease. Also called: Charcot-Marie-Tooth Hereditary Neuropathy; Charcot-Marie-Tooth Neuropathy. Identifiers: Orphanet 166, MedGen C0007959, MONDO:0015626.
SBF2-related disorder. Also called: SBF2-related condition.
Charcot-Marie-Tooth disease type 4B2. Also called: CHARCOT-MARIE-TOOTH DISEASE, WITH FOCALLY FOLDED MYELIN SHEATHS, AUTOSOMAL RECESSIVE, TYPE 4B2; Charcot-Marie-Tooth Neuropathy Type 4B2; CMT 4B2; CHARCOT-MARIE-TOOTH DISEASE, DEMYELINATING, TYPE 4B2. Identifiers: Orphanet 99956, MedGen C1858278, MONDO:0011475, OMIM 604563.

Allele frequency attached by ClinVar (database versions not stated): ESP Exome Variant Server 0.00031; ExAC 0.00041; TOPMed 0.00053; gnomAD 0.00056 and 0.00059.
gnomAD v4.1: 805 of 1,614,084 alleles (0.05%); highest among the groups gnomAD compares: Admixed American, 0.082%; 3 homozygotes.

Submissions (15):

PreventionGenetics, part of Exact Sciences
Classification: Likely benign for SBF2-related condition. Last evaluated: 2025-12-03. Review status: criteria provided, single submitter. Criteria: ACMG Guidelines, 2015. Collection method: clinical testing. Allele origin: germline.
Comment: This variant is classified as likely benign based on ACMG/AMP sequence variant interpretation guidelines (Richards et al. 2015 PMID: 25741868, with internal and published modifications).

GeneDx
Classification: Uncertain significance. Last evaluated: 2025-10-08. Review status: criteria provided, single submitter. Criteria: GeneDx Variant Classification Process June 2021. Collection method: clinical testing. Allele origin: germline. Affected: yes.
Comment: Identified in two individuals with suspected CMT; however, information regarding the presence or absence of a second SBF2 variant was not provided (PMID: 32376792); In silico analysis supports that this missense variant has a deleterious effect on protein structure/function; This variant is associated with the following publications: (PMID: 32211398, 33726816, 32376792)

Labcorp Genetics (formerly Invitae), Labcorp
Classification: Uncertain significance for Charcot-Marie-Tooth disease type 4. Last evaluated: 2025-01-29. Review status: criteria provided, single submitter. Criteria: Invitae Variant Classification Sherloc (09022015). Collection method: clinical testing. Allele origin: germline.
Comment: This sequence change replaces arginine, which is basic and polar, with histidine, which is basic and polar, at codon 1275 of the SBF2 protein (p.Arg1275His). This variant is present in population databases (rs150028248, gnomAD 0.08%), and has an allele count higher than expected for a pathogenic variant. This missense change has been observed in individual(s) with clinical features of Charcot-Marie-Tooth disease (PMID: 32376792). ClinVar contains an entry for this variant (Variation ID: 216776). Invitae Evidence Modeling of protein sequence and biophysical properties (such as structural, functional, and spatial information, amino acid conservation, physicochemical variation, residue mobility, and thermodynamic stability) indicates that this missense variant is expected to disrupt SBF2 protein function with a positive predictive value of 80%. In summary, the available evidence is currently insufficient to determine the role of this variant in disease. Therefore, it has been classified as a Variant of Uncertain Significance.

Blueprint Genetics
Classification: Likely benign. Last evaluated: 2024-11-15. Review status: criteria provided, single submitter. Criteria: ACMG Guidelines, 2015. Collection method: clinical testing. Allele origin: germline.

ARUP Laboratories, Molecular Genetics and Genomics, ARUP Laboratories
Classification: Uncertain significance for Charcot-Marie-Tooth disease type 4B2. Last evaluated: 2024-10-30. Review status: criteria provided, single submitter. Criteria: ARUP Molecular Germline Variant Investigation Process 2024. Collection method: clinical testing. Allele origin: germline.
Comment: The SBF2 c.3824G>A; p.Arg1275His variant (rs150028248) is reported in the literature in several individuals affected with Charcot-Marie-Tooth disease, although it was not demonstrated to be disease-causing (Volodarsky 2021). This variant is found in the general population with an overall allele frequency of 0.046% (131/282,650 alleles) in the Genome Aggregation Database (v2.1.1). Computational analyses are uncertain whether this variant is neutral or deleterious (REVEL: 0.632). Due to limited information, the clinical significance of this variant is uncertain at this time. References: Volodarsky M et al. Comprehensive genetic sequence and copy number analysis for Charcot-Marie-Tooth disease in a Canadian cohort of 2517 patients. J Med Genet. 2021 Apr;58(4):284-288. PMID: 32376792.

Clinical Genetics Laboratory, Skane University Hospital Lund
Classification: Uncertain significance. Last evaluated: 2022-05-27. Review status: criteria provided, single submitter. Criteria: ACMG Guidelines, 2015. Collection method: clinical testing. Allele origin: germline. Affected: yes.

Mayo Clinic Laboratories, Mayo Clinic
Classification: Uncertain significance. Last evaluated: 2022-05-13. Review status: criteria provided, single submitter. Criteria: ACMG Guidelines, 2015. Collection method: clinical testing. Allele origin: germline. Observed: 4 variant alleles.
Comment: BS1

Fulgent Genetics
Classification: Uncertain significance for Charcot-Marie-Tooth disease type 4B2. Last evaluated: 2022-03-08. Review status: criteria provided, single submitter. Criteria: ACMG Guidelines, 2015. Collection method: clinical testing. Allele origin: unknown.

Ambry Genetics
Classification: Uncertain significance for Inborn genetic diseases. Last evaluated: 2022-01-11. Review status: criteria provided, single submitter. Criteria: Ambry Variant Classification Scheme 2023. Collection method: clinical testing. Allele origin: germline.
Comment: The p.R1275H variant (also known as c.3824G>A), located in coding exon 29 of the SBF2 gene, results from a G to A substitution at nucleotide position 3824. The arginine at codon 1275 is replaced by histidine, an amino acid with highly similar properties. This amino acid position is highly conserved in available vertebrate species. In addition, the in silico prediction for this alteration is inconclusive. Since supporting evidence is limited at this time, the clinical significance of this alteration remains unclear.

Athena Diagnostics
Classification: Uncertain significance. Last evaluated: 2021-09-02. Review status: criteria provided, single submitter. Criteria: Athena Diagnostics Criteria. Collection method: clinical testing. Allele origin: unknown.

CeGaT Center for Human Genetics Tuebingen
Classification: Uncertain significance. Last evaluated: 2019-04-01. Review status: criteria provided, single submitter. Criteria: CeGaT Center For Human Genetics Tuebingen Variant Classification Criteria Version 2. Collection method: clinical testing. Allele origin: germline. Affected: yes. Observed: 1 variant allele.

Genetic Services Laboratory, University of Chicago
Classification: Uncertain significance. Last evaluated: 2019-03-27. Review status: criteria provided, single submitter. Criteria: ACMG Guidelines, 2015. Collection method: clinical testing. Allele origin: germline. Affected: no.

Illumina Laboratory Services, Illumina
Classification: Uncertain significance for Charcot-Marie-Tooth disease type 4B2. Last evaluated: 2018-01-13. Review status: criteria provided, single submitter. Criteria: ICSL Variant Classification Criteria 13 December 2019. Collection method: clinical testing. Allele origin: germline.

Breakthrough Genomics
Classification: Uncertain significance. Review status: criteria provided, single submitter. Criteria: ACMG Guidelines, 2015. Collection method: not provided. Allele origin: germline. Inheritance: Autosomal recessive inheritance. Affected: yes.

Molecular Genetics Laboratory, London Health Sciences Centre
Classification: Uncertain significance for Charcot-Marie-Tooth disease. Review status: criteria provided, single submitter. Criteria: ACMG Guidelines, 2015. Collection method: clinical testing. Allele origin: germline. Affected: yes.

Literature cited by the submitters: PubMed 32376792 (cited by 3 submitters); PubMed 33726816 (cited by Mayo Clinic Laboratories, Mayo Clinic).

NM_030962.4(SBF2):c.3824G>A (p.Arg1275His)

Gene: SBF2 (SET binding factor 2; minus strand). Cytogenetic location: 11p15.4.
Variant type: single nucleotide variant.
Coding change: c.3824G>A on transcript NM_030962.4 (MANE Select); coding-DNA position 3824, G replaced by A.
Protein change: p.Arg1275His; replaces arginine 1275 with histidine.
Molecular consequence: missense variant.
Genome position (GRCh38, 1-based): chr11:9,816,994, C>T on the plus strand (G>A on the coding strand, the complement: SBF2 is on the minus strand). VCF-style: chr11-9816994-C-T. GRCh37 (hg19) VCF-style: chr11-9838541-C-T.
Other names: p.Arg1275His; c.3920G>A, p.Arg1307His (NM_001386339.1); c.3695G>A, p.Arg1232His (NM_001386342.1); short protein forms R1275H, R1232H, R1307H.
Identifiers: ClinVar variation 216776 (VCV000216776.69), dbSNP rs150028248, ClinGen allele CA336538.